The following is an entry in ClinVar:

ClinVar aggregate classification (germline): Uncertain significance (1 of 4 stars; one submission).

gnomAD v4.1: 6 of 1,614,104 alleles (0.00037%); highest among the groups gnomAD compares: East Asian, 0.013%; no homozygotes.

Submission:

Labcorp Genetics (formerly Invitae), Labcorp
Classification: Uncertain significance. Last evaluated: 2025-07-04. Review status: criteria provided, single submitter. Criteria: Invitae Variant Classification Sherloc (09022015). Collection method: clinical testing. Allele origin: germline.
Comment: This sequence change replaces asparagine, which is neutral and polar, with serine, which is neutral and polar, at codon 475 of the GALNT2 protein (p.Asn475Ser). This variant is present in population databases (rs766578798, gnomAD 0.03%). This variant has not been reported in the literature in individuals affected with GALNT2-related conditions. Invitae Evidence Modeling of protein sequence and biophysical properties (such as structural, functional, and spatial information, amino acid conservation, physicochemical variation, residue mobility, and thermodynamic stability) indicates that this missense variant is not expected to disrupt GALNT2 protein function with a negative predictive value of 80%. In summary, the available evidence is currently insufficient to determine the role of this variant in disease. Therefore, it has been classified as a Variant of Uncertain Significance.

NM_004481.5(GALNT2):c.1424A>G (p.Asn475Ser)

Gene: GALNT2 (polypeptide N-acetylgalactosaminyltransferase 2; plus strand). Cytogenetic location: 1q42.13.
Variant type: single nucleotide variant.
Coding change: c.1424A>G on transcript NM_004481.5 (MANE Select); coding-DNA position 1424, A replaced by G.
Protein change: p.Asn475Ser; replaces asparagine 475 with serine.
Molecular consequence: missense variant.
Genome position (GRCh38, 1-based): chr1:230,265,351, A>G. VCF-style: chr1-230265351-A-G. GRCh37 (hg19) VCF-style: chr1-230401097-A-G.
Other names: c.1310A>G, p.Asn437Ser (NM_001291866.2); short protein forms N475S, N437S.
Identifiers: ClinVar variation 4690498 (VCV004690498.1).
Genomic context (GRCh38, chr1:230,265,351, plus strand): 5'-ACTGCCTCGACACTTTGGGACACTTTGCTGATGGTGTGGTTGGAGTTTATGAATGTCACA[A>G]TGCTGGGGGAAACCAGGTATGTGCATGGGGAAGCCAGGTCACCTGCAGGCCCAGAGAGAG-3'
Protein context (NP_004472.1, residues 465-485): DGVVGVYECH[Asn475Ser]AGGNQEWALT